The following is an entry in ClinVar:

ClinVar aggregate classification (germline): Uncertain significance. Review status: criteria provided, multiple submitters, no conflicts (2 of 4 stars). 2 submissions from 2 submitters: Uncertain significance (2). Last evaluated 2022-06-30.

Conditions:
Hereditary cancer-predisposing syndrome. Also called: Neoplastic Syndromes, Hereditary; Tumor predisposition; Hereditary Cancer Syndrome; Hereditary neoplastic syndrome. Identifiers: Orphanet 140162, MedGen C0027672, MeSH D009386, MONDO:0015356.
Hereditary nonpolyposis colorectal neoplasms. Identifiers: MedGen C0009405, MeSH D003123.

Submissions (2):

Ambry Genetics
Classification: Uncertain significance for Hereditary cancer-predisposing syndrome. Last evaluated: 2022-06-30. Review status: criteria provided, single submitter. Criteria: Ambry Variant Classification Scheme 2023. Collection method: clinical testing. Allele origin: germline.
Comment: The p.K210T variant (also known as c.629A>C), located in coding exon 6 of the PMS2 gene, results from an A to C substitution at nucleotide position 629. The lysine at codon 210 is replaced by threonine, an amino acid with similar properties. This amino acid position is highly conserved in available vertebrate species. In addition, the in silico prediction for this alteration is inconclusive. Since supporting evidence is limited at this time, the clinical significance of this alteration remains unclear.

Labcorp Genetics (formerly Invitae), Labcorp
Classification: Uncertain significance for Hereditary nonpolyposis colorectal neoplasms. Last evaluated: 2021-07-15. Review status: criteria provided, single submitter. Criteria: Invitae Variant Classification Sherloc (09022015). Collection method: clinical testing. Allele origin: germline.
Comment: This sequence change replaces lysine with threonine at codon 210 of the PMS2 protein (p.Lys210Thr). The lysine residue is highly conserved and there is a moderate physicochemical difference between lysine and threonine. This variant is not present in population databases (ExAC no frequency). This variant has not been reported in the literature in individuals with PMS2-related disease. ClinVar contains an entry for this variant (Variation ID: 233653). Algorithms developed to predict the effect of missense changes on protein structure and function (SIFT, PolyPhen-2, Align-GVGD) all suggest that this variant is likely to be disruptive, but these predictions have not been confirmed by published functional studies and their clinical significance is uncertain. In summary, the available evidence is currently insufficient to determine the role of this variant in disease. Therefore, it has been classified as a Variant of Uncertain Significance.

NM_000535.7(PMS2):c.629A>C (p.Lys210Thr)

Gene: PMS2 (PMS1 homolog 2, mismatch repair system component; minus strand). Cytogenetic location: 7p22.1.
Variant type: single nucleotide variant.
Coding change: c.629A>C on transcript NM_000535.7 (MANE Select); coding-DNA position 629, A replaced by C.
Protein change: p.Lys210Thr; replaces lysine 210 with threonine.
Molecular consequence: missense variant. On other transcripts: 5 prime UTR variant (2), non-coding transcript variant (1), intron variant (1).
Genome position (GRCh38, 1-based): chr7:5,999,184, T>G on the plus strand (A>C on the coding strand, the complement: PMS2 is on the minus strand). VCF-style: chr7-5999184-T-G. GRCh37 (hg19) VCF-style: chr7-6038815-T-G.
Other names: c.224A>C, p.Lys75Thr (NM_001322003.2, NM_001322004.2, NM_001322005.2 and 2 more transcripts); c.629A>C, p.Lys210Thr (NM_001322006.2, NM_001322014.2); c.311A>C, p.Lys104Thr (NM_001322007.2, NM_001322008.2); c.-305A>C (NM_001322011.2, NM_001322012.2); c.320A>C, p.Lys107Thr (NM_001322015.2); c.133-1761A>C (NM_001322013.2); short protein forms K210T, K104T, K107T, K75T.
Identifiers: ClinVar variation 233653 (VCV000233653.15), dbSNP rs753562256, ClinGen allele CA10578702.